The following is an entry in ClinVar:

ClinVar aggregate classification (germline): Uncertain significance (1 of 4 stars; one submission).

Conditions:
Hereditary cancer-predisposing syndrome. Also called: Neoplastic Syndromes, Hereditary; Tumor predisposition; Hereditary neoplastic syndrome; Hereditary Cancer Syndrome. Identifiers: Orphanet 140162, MedGen C0027672, MeSH D009386, MONDO:0015356.

Submission:

Ambry Genetics
Classification: Uncertain significance for Hereditary cancer-predisposing syndrome. Last evaluated: 2026-07-07. Review status: criteria provided, single submitter. Criteria: Ambry Variant Classification Scheme 2023. Collection method: clinical testing. Allele origin: germline.
Comment: The p.A264P variant (also known as c.790G>C), located in coding exon 3 of the PHOX2B gene, results from a G to C substitution at nucleotide position 790. The alanine at codon 264 is replaced by proline, an amino acid with highly similar properties. This amino acid position is conserved. In addition, the in silico prediction for this alteration is inconclusive. Based on the available evidence, the clinical significance of this variant remains unclear.

NM_003924.4(PHOX2B):c.790G>C (p.Ala264Pro)

Gene: PHOX2B (paired like homeobox 2B; minus strand). Cytogenetic location: 4p13.
Variant type: single nucleotide variant.
Coding change: c.790G>C on transcript NM_003924.4 (MANE Select); coding-DNA position 790, G replaced by C.
Protein change: p.Ala264Pro; replaces alanine 264 with proline.
Molecular consequence: missense variant.
Genome position (GRCh38, 1-based): chr4:41,745,962, C>G on the plus strand (G>C on the coding strand, the complement: PHOX2B is on the minus strand). VCF-style: chr4-41745962-C-G. GRCh37 (hg19) VCF-style: chr4-41747979-C-G.
Other names: short protein forms A264P.
Identifiers: ClinVar variation 5026591 (VCV005026591.1).